The following is an entry in ClinVar:

ClinVar aggregate classification (germline): Uncertain significance (1 of 4 stars; one submission).

Conditions:
Polyglandular autoimmune syndrome, type 1 (APS1). Also called: Autoimmune polyendocrinopathy syndrome , type I, with or without reversible metaphyseal dysplasia; Autoimmune polyendocrine syndrome type 1; Whitaker syndrome; HYPOADRENOCORTICISM WITH HYPOPARATHYROIDISM AND SUPERFICIAL MONILIASIS; Autoimmune polyendocrinopathy syndrome, type I; AUTOIMMUNE POLYENDOCRINE SYNDROME, TYPE I, WITH OR WITHOUT REVERSIBLE METAPHYSEAL DYSPLASIA. Identifiers: Orphanet 3453, MedGen C0085859, MONDO:0009411, OMIM 240300.

Allele frequency attached by ClinVar (database versions not stated): gnomAD exomes below 0.00001.
gnomAD v4.1: 1 of 1,553,874 alleles (0.000064%); highest among the groups gnomAD compares: Non-Finnish European, 0.000087%; no homozygotes.

Submission:

Labcorp Genetics (formerly Invitae), Labcorp
Classification: Uncertain significance for Polyglandular autoimmune syndrome, type 1. Last evaluated: 2023-11-03. Review status: criteria provided, single submitter. Criteria: Invitae Variant Classification Sherloc (09022015). Collection method: clinical testing. Allele origin: germline.
Comment: This sequence change replaces serine, which is neutral and polar, with phenylalanine, which is neutral and non-polar, at codon 156 of the AIRE protein (p.Ser156Phe). This variant is not present in population databases (gnomAD no frequency). This variant has not been reported in the literature in individuals affected with AIRE-related conditions. Advanced modeling of protein sequence and biophysical properties (such as structural, functional, and spatial information, amino acid conservation, physicochemical variation, residue mobility, and thermodynamic stability) has been performed at Invitae for this missense variant, however the output from this modeling did not meet the statistical confidence thresholds required to predict the impact of this variant on AIRE protein function. In summary, the available evidence is currently insufficient to determine the role of this variant in disease. Therefore, it has been classified as a Variant of Uncertain Significance.

NM_000383.4(AIRE):c.467C>T (p.Ser156Phe)

Gene: AIRE (autoimmune regulator; plus strand). Cytogenetic location: 21q22.3.
Variant type: single nucleotide variant.
Coding change: c.467C>T on transcript NM_000383.4 (MANE Select); coding-DNA position 467, C replaced by T.
Protein change: p.Ser156Phe; replaces serine 156 with phenylalanine.
Molecular consequence: missense variant.
Genome position (GRCh38, 1-based): chr21:44,287,520, C>T. VCF-style: chr21-44287520-C-T. GRCh37 (hg19) VCF-style: chr21-45707403-C-T.
Other names: short protein forms S156F.
Identifiers: ClinVar variation 2692988 (VCV002692988.3), dbSNP rs2517877652, ClinGen allele CA410423898.